The following is an entry in ClinVar:

NR_026647.1(PWRN2):n.-56949_57842del

Gene: PWRN2 (Prader-Willi region non-protein coding RNA 2; minus strand). Cytogenetic location: 15q11.2.
Variant type: Deletion.
Identifiers: ClinVar variation 157332 (VCV000157332.2).

ClinVar aggregate classification (germline): not provided (0 of 4 stars; one submission).

Conditions:
Gestational diabetes mellitus uncontrolled. Identifiers: MedGen C3532257.

Submission:

Institute of Molecular and Cell Biology, University of Tartu
No classification provided. Condition: Gestational diabetes mellitus uncontrolled. Review status: no classification provided. Collection method: case-control. Allele origin: unknown. Affected: yes. Study: Kasak2014.
Comment: The study aimed to determine the contribution of copy number variants in the genetic etiology of normal and complicated pregnancies. The samples represented (i) maternal blood DNA drawn from healthy pregnant women during 1st or 2nd trimester and (ii) maternal and paternal blood DNA drawn at term pregnancy cases representing normal and complicated gestations (severe preeclampsia, PE; gestational diabetes, GD; small-for-gestational age newborn, SGA; large-for-gestational age newborn, LGA). We performed CNV calling based on genome-wide genotyping dataset (Illumina HumanOmniExpress-24-v1 BeadChip) by applying three algorithms, QuantiSNP, GADA (Genome Alteration Detection Algorithm) and CNstream in parallel. The acquired CNV calls were merged with HD-CNV (Hotspot Detector for Copy Number Variants) program and only the CNVs predicted by at least two programs, were considered in subsequent analysis.

Literature cited by the submitters: PubMed 25666259.